The following is an entry in ClinVar:

NM_031407.7(HUWE1):c.8975G>A (p.Arg2992His)

Gene: HUWE1 (HECT, UBA and WWE domain containing E3 ubiquitin protein ligase 1; minus strand). Cytogenetic location: Xp11.22.
Variant type: single nucleotide variant.
Coding change: c.8975G>A on transcript NM_031407.7 (MANE Select); coding-DNA position 8975, G replaced by A.
Protein change: p.Arg2992His; replaces arginine 2992 with histidine.
Molecular consequence: missense variant.
Genome position (GRCh38, 1-based): chrX:53,551,387, C>T on the plus strand (G>A on the coding strand, the complement: HUWE1 is on the minus strand). VCF-style: chrX-53551387-C-T. GRCh37 (hg19) VCF-style: chrX-53578348-C-T.
Other names: short protein forms R2992H.
Identifiers: ClinVar variation 3606204 (VCV003606204.2).

ClinVar aggregate classification (germline): Uncertain significance (1 of 4 stars; one submission).

Submission:

Labcorp Genetics (formerly Invitae), Labcorp
Classification: Uncertain significance. Last evaluated: 2024-05-13. Review status: criteria provided, single submitter. Criteria: Invitae Variant Classification Sherloc (09022015). Collection method: clinical testing. Allele origin: germline.
Comment: This sequence change replaces arginine, which is basic and polar, with histidine, which is basic and polar, at codon 2992 of the HUWE1 protein (p.Arg2992His). The frequency data for this variant in the population databases is considered unreliable, as metrics indicate poor data quality at this position in the gnomAD database. This variant has not been reported in the literature in individuals affected with HUWE1-related conditions. Advanced modeling of protein sequence and biophysical properties (such as structural, functional, and spatial information, amino acid conservation, physicochemical variation, residue mobility, and thermodynamic stability) performed at Invitae indicates that this missense variant is expected to disrupt HUWE1 protein function with a positive predictive value of 95%. In summary, the available evidence is currently insufficient to determine the role of this variant in disease. Therefore, it has been classified as a Variant of Uncertain Significance.